The following is an entry in ClinVar:

ClinVar aggregate classification (germline): Uncertain significance. Review status: criteria provided, multiple submitters, no conflicts (2 of 4 stars). 2 submissions from 2 submitters: Uncertain significance (2). Last evaluated 2024-05-14.

Submissions (2):

Blueprint Genetics
Classification: Uncertain significance. Last evaluated: 2024-05-14. Review status: criteria provided, single submitter. Criteria: ACMG Guidelines, 2015. Collection method: clinical testing. Allele origin: germline.

Labcorp Genetics (formerly Invitae), Labcorp
Classification: Uncertain significance. Last evaluated: 2021-11-22. Review status: criteria provided, single submitter. Criteria: Invitae Variant Classification Sherloc (09022015). Collection method: clinical testing. Allele origin: germline.
Comment: This sequence change replaces aspartic acid, which is acidic and polar, with asparagine, which is neutral and polar, at codon 2 of the C1QC protein (p.Asp2Asn). The frequency data for this variant in the population databases is considered unreliable, as metrics indicate poor data quality at this position in the gnomAD database. This variant has not been reported in the literature in individuals affected with C1QC-related conditions. Algorithms developed to predict the effect of missense changes on protein structure and function are either unavailable or do not agree on the potential impact of this missense change (SIFT: "Tolerated"; PolyPhen-2: "Probably Damaging"; Align-GVGD: "Class C0"). In summary, the available evidence is currently insufficient to determine the role of this variant in disease. Therefore, it has been classified as a Variant of Uncertain Significance.

NM_172369.5(C1QC):c.4G>A (p.Asp2Asn)

Gene: C1QC (complement C1q C chain; plus strand). Cytogenetic location: 1p36.12.
Variant type: single nucleotide variant.
Coding change: c.4G>A on transcript NM_172369.5 (MANE Select); coding-DNA position 4, G replaced by A.
Protein change: p.Asp2Asn; replaces aspartic acid 2 with asparagine.
Molecular consequence: missense variant. On other transcripts: intron variant (1).
Genome position (GRCh38, 1-based): chr1:22,644,027, G>A. VCF-style: chr1-22644027-G-A. GRCh37 (hg19) VCF-style: chr1-22970520-G-A.
Other names: c.4G>A, p.Asp2Asn (NM_001114101.3, NM_001347619.2); c.-87+313G>A (NM_001347620.2); short protein forms D2N.
Identifiers: ClinVar variation 1500408 (VCV001500408.4), dbSNP rs551820328, ClinGen allele CA19176944.